The following is an entry in ClinVar:

ClinVar aggregate classification (germline): Benign. Review status: criteria provided, multiple submitters, no conflicts (2 of 4 stars). 6 submissions from 6 submitters: Benign (6). Last evaluated 2026-02-04.

Conditions:
Autosomal recessive nonsyndromic hearing loss 68. Also called: Deafness, autosomal recessive 68. Identifiers: Orphanet 90636, MedGen C1835854, MONDO:0012485, OMIM 610419.

Allele frequency attached by ClinVar (database versions not stated): ESP Exome Variant Server 0.63270; 1000 Genomes Project 0.55192; 1000 Genomes Project 30x 0.55762; TOPMed 0.61225.
gnomAD v4.1: 937,628 of 1,608,656 alleles (58%); highest among the groups gnomAD compares: African/African-American, 74%; 278,286 homozygotes.

Submissions (6):

Labcorp Genetics (formerly Invitae), Labcorp
Classification: Benign. Last evaluated: 2026-02-04. Review status: criteria provided, single submitter. Criteria: Invitae Variant Classification Sherloc (09022015). Collection method: clinical testing. Allele origin: germline.

Genome-Nilou Lab
Classification: Benign for Autosomal recessive nonsyndromic hearing loss 68. Last evaluated: 2021-11-07. Review status: criteria provided, single submitter. Criteria: ACMG Guidelines, 2015. Collection method: clinical testing. Allele origin: germline. Affected: no.

Mayo Clinic Laboratories, Mayo Clinic
Classification: Benign. Last evaluated: 2020-09-04. Review status: criteria provided, single submitter. Criteria: ACMG Guidelines, 2015. Collection method: clinical testing. Allele origin: germline. Observed: 123 variant alleles.

Laboratory for Molecular Medicine, Mass General Brigham Personalized Medicine
Classification: Benign. Last evaluated: 2017-08-23. Review status: criteria provided, single submitter. Criteria: LMM Criteria. Collection method: clinical testing. Allele origin: germline. Observed: 226 variant alleles.
Comment: p.Arg307Arg in exon 2 of S1PR2: This variant is not expected to have clinical si gnificance because it does not alter an amino acid residue, is not located withi n the splice consensus sequence, and has been identified in 73.32% (6474/8830) o f African chromosomes by the Exome Aggregation Consortium (ExAC; dbSNP rs2116942).

GeneDx
Classification: Benign. Last evaluated: 2017-05-09. Review status: criteria provided, single submitter. Criteria: GeneDx Variant Classification (06012015). Collection method: clinical testing. Allele origin: germline. Affected: yes.
Comment: This variant is considered likely benign or benign based on one or more of the following criteria: it is a conservative change, it occurs at a poorly conserved position in the protein, it is predicted to be benign by multiple in silico algorithms, and/or has population frequency not consistent with disease.

Breakthrough Genomics
Classification: Benign. Review status: criteria provided, single submitter. Criteria: ACMG Guidelines, 2015. Collection method: not provided. Allele origin: germline. Inheritance: Autosomal recessive inheritance. Affected: yes.

NM_004230.4(S1PR2):c.919A>C (p.Arg307=)

Gene: S1PR2 (sphingosine-1-phosphate receptor 2; minus strand). Cytogenetic location: 19p13.2.
Variant type: single nucleotide variant.
Coding change: c.919A>C on transcript NM_004230.4 (MANE Select); coding-DNA position 919, A replaced by C.
Protein change: p.Arg307=; no amino-acid change (arginine 307 retained).
Molecular consequence: synonymous variant.
Genome position (GRCh38, 1-based): chr19:10,223,987, T>G on the plus strand (A>C on the coding strand, the complement: S1PR2 is on the minus strand). VCF-style: chr19-10223987-T-G. GRCh37 (hg19) VCF-style: chr19-10334663-T-G.
Other names: p.Arg307=.
Identifiers: ClinVar variation 506085 (VCV000506085.17), dbSNP rs2116942, ClinGen allele CA9188983.
Genomic context (GRCh38, chr19:10,223,987, plus strand): 5'-GCAGGAGGTGGTGGCCCGGGGTCCCGCCCCGCCTCCGTCCTTGCACCCCCACCCCCGGCC[T>G]CCAGCACTGCAGCGGCCGAAGCACCTCCCGCCGCAGGTCCCGGCTGCGCCACGTGTAGAT-3'
Protein context (NP_004221.3, residues 297-317): REVLRPLQCW[Arg307=]PGVGVQGRRR